The following is an entry in ClinVar:

NM_019032.6(ADAMTSL4):c.1825C>A (p.Pro609Thr)

Genes: ADAMTSL4 (ADAMTS like 4; plus strand), ADAMTSL4-AS2 (ADAMTSL4 antisense RNA 2; minus strand). Cytogenetic location: 1q21.2.
Variant type: single nucleotide variant.
Coding change: c.1825C>A on transcript NM_019032.6 (MANE Select); coding-DNA position 1825, C replaced by A.
Protein change: p.Pro609Thr; replaces proline 609 with threonine.
Molecular consequence: missense variant. On other transcripts: intron variant (1).
Genome position (GRCh38, 1-based): chr1:150,557,014, C>A. VCF-style: chr1-150557014-C-A. GRCh37 (hg19) VCF-style: chr1-150529490-C-A.
Other names: c.1894C>A, p.Pro632Thr (NM_001288608.2); c.1825C>A, p.Pro609Thr (NM_001378596.1, NM_025008.5); c.1856+38C>A (NM_001288607.2); short protein forms P609T, P632T.
Identifiers: ClinVar variation 2806649 (VCV002806649.3), dbSNP rs766204338, ClinGen allele CA342313393.

ClinVar aggregate classification (germline): Uncertain significance (1 of 4 stars; one submission).

Submission:

Labcorp Genetics (formerly Invitae), Labcorp
Classification: Uncertain significance. Last evaluated: 2023-10-15. Review status: criteria provided, single submitter. Criteria: Invitae Variant Classification Sherloc (09022015). Collection method: clinical testing. Allele origin: germline.
Comment: This sequence change replaces proline, which is neutral and non-polar, with threonine, which is neutral and polar, at codon 609 of the ADAMTSL4 protein (p.Pro609Thr). This variant is not present in population databases (gnomAD no frequency). This variant has not been reported in the literature in individuals affected with ADAMTSL4-related conditions. Advanced modeling of protein sequence and biophysical properties (such as structural, functional, and spatial information, amino acid conservation, physicochemical variation, residue mobility, and thermodynamic stability) performed at Invitae indicates that this missense variant is not expected to disrupt ADAMTSL4 protein function. In summary, the available evidence is currently insufficient to determine the role of this variant in disease. Therefore, it has been classified as a Variant of Uncertain Significance.